The following is an entry in ClinVar:

ClinVar aggregate classification (germline): Uncertain significance. Review status: criteria provided, multiple submitters, no conflicts (2 of 4 stars). 4 submissions from 4 submitters: Uncertain significance (3). 1 of the submissions does not count toward it. Last evaluated 2026-05-19.

Conditions:
GJB1-related disorder. Also called: GJB1-related condition; GJB1-related disorders.
Charcot-Marie-Tooth disease. Also called: Charcot-Marie-Tooth Hereditary Neuropathy; Charcot-Marie-Tooth Neuropathy. Identifiers: Orphanet 166, MedGen C0007959, MONDO:0015626.
Inborn genetic diseases. Identifiers: MedGen C0950123, MeSH D030342.
Charcot-Marie-Tooth Neuropathy X. Identifiers: MedGen CN118851.

Allele frequency attached by ClinVar (database versions not stated): gnomAD exomes 0.00001 and 0.00005; gnomAD 0.00002; ExAC 0.00003; TOPMed 0.00003.
gnomAD v4.1: 55 of 1,193,071 alleles (0.0046%); highest among the groups gnomAD compares: Non-Finnish European, 0.006%; no homozygotes.

Submissions (4):

PreventionGenetics, part of Exact Sciences
Classification: Uncertain significance for GJB1-related condition. Last evaluated: 2026-05-19. Review status: criteria provided, single submitter. Criteria: ACMG Guidelines, 2015. Collection method: clinical testing. Allele origin: germline.
Comment: The GJB1 c.811G>A variant is predicted to result in the amino acid substitution p.Ala271Thr. This variant was reported as a variant of uncertain significance in an individual from a large cohort study of Charcot-Marie-Tooth disease; however, additional evidence was not provided (Volodarsky et al. 2021. PubMed ID: 32376792). This variant is reported in 0.0016% of alleles in individuals of European (non-Finnish) descent in gnomAD, including 15 hemizygotes in the larger gnomAD v4.1.1 database. At this time, the clinical significance of this variant is uncertain due to the absence of conclusive functional and genetic evidence.

Labcorp Genetics (formerly Invitae), Labcorp
Classification: Uncertain significance for Charcot-Marie-Tooth Neuropathy X. Last evaluated: 2025-09-02. Review status: criteria provided, single submitter. Criteria: Invitae Variant Classification Sherloc (09022015). Collection method: clinical testing. Allele origin: germline.
Comment: This sequence change replaces alanine, which is neutral and non-polar, with threonine, which is neutral and polar, at codon 271 of the GJB1 protein (p.Ala271Thr). The frequency data for this variant in the population databases is considered unreliable, as metrics indicate poor data quality at this position in the gnomAD database. This variant has not been reported in the literature in individuals affected with GJB1-related conditions. ClinVar contains an entry for this variant (Variation ID: 567218). Invitae Evidence Modeling of protein sequence and biophysical properties (such as structural, functional, and spatial information, amino acid conservation, physicochemical variation, residue mobility, and thermodynamic stability) indicates that this missense variant is not expected to disrupt GJB1 protein function with a negative predictive value of 95%. In summary, the available evidence is currently insufficient to determine the role of this variant in disease. Therefore, it has been classified as a Variant of Uncertain Significance.

Ambry Genetics
Classification: Uncertain significance for Inborn genetic diseases. Last evaluated: 2020-02-26. Review status: criteria provided, single submitter. Criteria: Ambry Variant Classification Scheme 2023. Collection method: clinical testing. Allele origin: germline.
Comment: The p.A271T variant (also known as c.811G>A), located in coding exon 1 of the GJB1 gene, results from a G to A substitution at nucleotide position 811. The alanine at codon 271 is replaced by threonine, an amino acid with similar properties. This amino acid position is well conserved in available vertebrate species. In addition, the in silico prediction for this alteration is inconclusive. Since supporting evidence is limited at this time, the clinical significance of this alteration remains unclear.

Natera, Inc.
Classification: Uncertain significance for Charcot-Marie-Tooth disease. Last evaluated: 2019-10-28. Review status: no assertion criteria provided. Collection method: clinical testing. Allele origin: germline. Not counted in ClinVar's aggregate classification.

NM_000166.6(GJB1):c.811G>A (p.Ala271Thr)

Gene: GJB1 (gap junction protein beta 1; plus strand). Cytogenetic location: Xq13.1.
Variant type: single nucleotide variant.
Coding change: c.811G>A on transcript NM_000166.6 (MANE Select); coding-DNA position 811, G replaced by A.
Protein change: p.Ala271Thr; replaces alanine 271 with threonine.
Molecular consequence: missense variant.
Genome position (GRCh38, 1-based): chrX:71,224,518, G>A. VCF-style: chrX-71224518-G-A. GRCh37 (hg19) VCF-style: chrX-70444368-G-A.
Other names: c.811G>A, p.Ala271Thr (NM_001097642.3); short protein forms A271T.
Identifiers: ClinVar variation 567218 (VCV000567218.8), dbSNP rs756258267, ClinGen allele CA10445347.
Genomic context (GRCh38, chrX:71,224,518, plus strand): 5'-CTGCTGAGTGAGCAGGATGGCTCCCTGAAAGACATACTGCGCCGCAGCCCTGGCACCGGG[G>A]CTGGGCTGGCTGAAAAGAGCGACCGCTGCTCGGCCTGCTGATGCCACATACCAGGCAACC-3'
Protein context (NP_000157.1, residues 261-281): DILRRSPGTG[Ala271Thr]GLAEKSDRCS